The following is an entry in ClinVar:

ClinVar aggregate classification (germline): Likely benign. Review status: criteria provided, multiple submitters, no conflicts (2 of 4 stars). 2 submissions from 2 submitters: Likely benign (2). Last evaluated 2025-09-21.

Conditions:
Propionic acidemia (PROP). Also called: GLYCINEMIA, KETOTIC; HYPERGLYCINEMIA WITH KETOACIDOSIS AND LEUKOPENIA; KETOTIC HYPERGLYCINEMIA. Identifiers: Orphanet 35, MedGen C0268579, MONDO:0011628, OMIM 606054, HP:0003571.

Allele frequency attached by ClinVar (database versions not stated): gnomAD exomes 0.00003.
gnomAD v4.1: 8 of 1,614,110 alleles (0.0005%); highest among the groups gnomAD compares: Admixed American, 0.013%; no homozygotes.

Submissions (2):

Labcorp Genetics (formerly Invitae), Labcorp
Classification: Likely benign for Propionic acidemia. Last evaluated: 2025-09-21. Review status: criteria provided, single submitter. Criteria: Invitae Variant Classification Sherloc (09022015). Collection method: clinical testing. Allele origin: germline.

GeneDx
Classification: Likely benign. Last evaluated: 2017-10-24. Review status: criteria provided, single submitter. Criteria: GeneDx Variant Classification (06012015). Collection method: clinical testing. Allele origin: germline. Affected: yes.
Comment: This variant is considered likely benign or benign based on one or more of the following criteria: it is a conservative change, it occurs at a poorly conserved position in the protein, it is predicted to be benign by multiple in silico algorithms, and/or has population frequency not consistent with disease.

NM_000532.5(PCCB):c.1569C>G (p.Ala523=)

Gene: PCCB (propionyl-CoA carboxylase subunit beta; plus strand). Cytogenetic location: 3q22.3.
Variant type: single nucleotide variant.
Coding change: c.1569C>G on transcript NM_000532.5 (MANE Select); coding-DNA position 1569, C replaced by G.
Protein change: p.Ala523=; no amino-acid change (alanine 523 retained).
Molecular consequence: synonymous variant.
Genome position (GRCh38, 1-based): chr3:136,329,975, C>G. VCF-style: chr3-136329975-C-G. GRCh37 (hg19) VCF-style: chr3-136048817-C-G.
Other names: c.1629C>G, p.Ala543= (NM_001178014.2).
Identifiers: ClinVar variation 512785 (VCV000512785.8), dbSNP rs1418405958, ClinGen allele CA435841886.